The following is an entry in ClinVar:

NM_005413.4(SIX3):c.288T>A (p.Cys96Ter)

Gene: SIX3 (SIX homeobox 3; plus strand). Cytogenetic location: 2p21.
Variant type: single nucleotide variant.
Coding change: c.288T>A on transcript NM_005413.4 (MANE Select); coding-DNA position 288, T replaced by A.
Protein change: p.Cys96Ter; replaces cysteine 96 with a stop codon.
Molecular consequence: nonsense.
Genome position (GRCh38, 1-based): chr2:44,942,392, T>A. VCF-style: chr2-44942392-T-A. GRCh37 (hg19) VCF-style: chr2-45169531-T-A.
Other names: short protein forms C96*.
Identifiers: ClinVar variation 489225 (VCV000489225.2), dbSNP rs1553337648, ClinGen allele CA346799249.

ClinVar aggregate classification (germline): Pathogenic. Review status: criteria provided, multiple submitters, no conflicts (2 of 4 stars). 2 submissions from 2 submitters: Pathogenic (2). Last evaluated 2026-09-15.

Conditions:
Fetal anomalies with a likely genetic cause.

Submissions (2):

Genetics Laboratory, Great Ormond Street Hospital NHS Foundation Trust, North Thames Genomic Laboratory Hub
Classification: Pathogenic for Fetal anomalies with a likely genetic cause. Last evaluated: 2026-09-15. Review status: criteria provided, single submitter. Criteria: ACGS Best Practice Guidelines for Variant Classification in Rare Disease 2024 v1.2. Collection method: clinical testing. Allele origin: germline. Affected: yes.
Comment: PM2_moderate, PVS1_very-strong

GeneDx
Classification: Pathogenic. Last evaluated: 2017-12-04. Review status: criteria provided, single submitter. Criteria: GeneDx Variant Classification (06012015). Collection method: clinical testing. Allele origin: germline. Affected: yes.
Comment: The C96X nonsense variant in the SIX3 gene is predicted to cause loss of normal protein function either through protein truncation or nonsense-mediated mRNA decay. This variant is not observed in large population cohorts (Lek et al., 2016).